The following is an entry in ClinVar:

NM_001717.4(BNC1):c.2568G>C (p.Leu856=)

Gene: BNC1 (basonuclin zinc finger protein 1; minus strand). Cytogenetic location: 15q25.2.
Variant type: single nucleotide variant.
Coding change: c.2568G>C on transcript NM_001717.4 (MANE Select); coding-DNA position 2568, G replaced by C.
Protein change: p.Leu856=; no amino-acid change (leucine 856 retained).
Molecular consequence: synonymous variant.
Genome position (GRCh38, 1-based): chr15:83,257,859, C>G on the plus strand (G>C on the coding strand, the complement: BNC1 is on the minus strand). VCF-style: chr15-83257859-C-G. GRCh37 (hg19) VCF-style: chr15-83926611-C-G.
Other names: c.2547G>C, p.Leu849= (NM_001301206.2).
Identifiers: ClinVar variation 2645643 (VCV002645643.24), dbSNP rs144960475, ClinGen allele CA7703765.

ClinVar aggregate classification (germline): Likely benign (1 of 4 stars; one submission).

Allele frequency attached by ClinVar (database versions not stated): 1000 Genomes Project 30x 0.00156; 1000 Genomes Project 0.00160; ExAC 0.00419; TOPMed 0.00433; gnomAD 0.00445; gnomAD exomes 0.00694; ESP Exome Variant Server 0.00492.
gnomAD v4.1: 10,709 of 1,614,160 alleles (0.66%); highest among the groups gnomAD compares: Non-Finnish European, 0.84%; 35 homozygotes.

Submission:

CeGaT Center for Human Genetics Tuebingen
Classification: Likely benign. Last evaluated: 2026-06-01. Review status: criteria provided, single submitter. Criteria: CeGaT Center For Human Genetics Tuebingen Variant Classification Criteria Version 2. Collection method: clinical testing. Allele origin: germline. Affected: yes. Observed: 3 variant alleles.
Comment: BNC1: BP4, BP7, BS2